The following is an entry in ClinVar:

ClinVar aggregate classification (germline): Likely benign (0 of 4 stars; one submission).

Conditions:
CLIP1-related disorder. Also called: CLIP1-related condition.

Allele frequency attached by ClinVar (database versions not stated): TOPMed 0.00003; ExAC 0.00005; gnomAD 0.00006; gnomAD exomes 0.00007; 1000 Genomes Project 30x 0.00016; 1000 Genomes Project 0.00020.
gnomAD v4.1: 107 of 1,613,962 alleles (0.0066%); highest among the groups gnomAD compares: Non-Finnish European, 0.008%; no homozygotes.

Submission:

PreventionGenetics, part of Exact Sciences
Classification: Likely benign for CLIP1-related condition. Last evaluated: 2019-08-09. Review status: no assertion criteria provided. Collection method: clinical testing. Allele origin: germline.
Comment: This variant is classified as likely benign based on ACMG/AMP sequence variant interpretation guidelines (Richards et al. 2015 PMID: 25741868, with internal and published modifications).

NM_001247997.2(CLIP1):c.3522G>A (p.Ala1174=)

Gene: CLIP1 (CAP-Gly domain containing linker protein 1; minus strand). Cytogenetic location: 12q24.31.
Variant type: single nucleotide variant.
Coding change: c.3522G>A on transcript NM_001247997.2 (MANE Select); coding-DNA position 3522, G replaced by A.
Protein change: p.Ala1174=; no amino-acid change (alanine 1174 retained).
Molecular consequence: synonymous variant.
Genome position (GRCh38, 1-based): chr12:122,309,834, C>T on the plus strand (G>A on the coding strand, the complement: CLIP1 is on the minus strand). VCF-style: chr12-122309834-C-T. GRCh37 (hg19) VCF-style: chr12-122794381-C-T.
Other names: c.5652G>A, p.Ala1884= (NM_001389291.1); c.3489G>A, p.Ala1163= (NM_002956.3); c.3384G>A, p.Ala1128= (NM_198240.3).
Identifiers: ClinVar variation 3035703 (VCV003035703.2), dbSNP rs200110148, ClinGen allele CA6845034.